The following is an entry in ClinVar:

ClinVar aggregate classification (germline): Likely pathogenic (1 of 4 stars; one submission).

Conditions:
Thrombophilia due to protein C deficiency, autosomal dominant. Also called: PROC DEFICIENCY, AUTOSOMAL DOMINANT; PROTEIN C DEFICIENCY, AUTOSOMAL DOMINANT. Identifiers: Orphanet 745, MedGen C2674321, MONDO:0008316, OMIM 176860. Disease mechanism: loss of function.

Allele frequency attached by ClinVar (database versions not stated): gnomAD exomes below 0.00001.

Submission:

Labcorp Genetics (formerly Invitae), Labcorp
Classification: Likely pathogenic for Thrombophilia due to protein C deficiency, autosomal dominant. Last evaluated: 2023-09-21. Review status: criteria provided, single submitter. Criteria: Invitae Variant Classification Sherloc (09022015). Collection method: clinical testing. Allele origin: germline.
Comment: In summary, the currently available evidence indicates that the variant is pathogenic, but additional data are needed to prove that conclusively. Therefore, this variant has been classified as Likely Pathogenic. Algorithms developed to predict the effect of sequence changes on RNA splicing suggest that this variant may disrupt the consensus splice site. ClinVar contains an entry for this variant (Variation ID: 536971). Disruption of this splice site has been observed in individual(s) with clinical features of PROC-related conditions (Invitae). This variant is not present in population databases (gnomAD no frequency). This sequence change affects an acceptor splice site in intron 3 of the PROC gene. It is expected to disrupt RNA splicing. Variants that disrupt the donor or acceptor splice site typically lead to a loss of protein function (PMID: 16199547), and loss-of-function variants in PROC are known to be pathogenic (PMID: 17152060).

Literature cited by the submitters: PubMed 16199547; PubMed 17152060.

NM_000312.4(PROC):c.238-1G>A

Gene: PROC (protein C, inactivator of coagulation factors Va and VIIIa; plus strand). Cytogenetic location: 2q14.3.
Variant type: single nucleotide variant.
Coding change: c.238-1G>A on transcript NM_000312.4 (MANE Select); the canonical splice acceptor site of the intron before coding-DNA position 238, G replaced by A.
Molecular consequence: splice acceptor variant.
Genome position (GRCh38, 1-based): chr2:127,422,916, G>A. VCF-style: chr2-127422916-G-A. GRCh37 (hg19) VCF-style: chr2-128180492-G-A.
Other names: c.238-1G>A (NM_001375611.1, NM_001375605.1, NM_001375608.1 and 1 more transcripts); c.421-1G>A (NM_001375602.1); c.322-1G>A (NM_001375607.1); c.232-1G>A (NM_001375610.1); c.301-1G>A (NM_001375606.1, NM_001375603.1, NM_001375604.1); c.214-1G>A (NM_001375609.1).
Identifiers: ClinVar variation 536971 (VCV000536971.9), dbSNP rs1553423955, ClinGen allele CA348398585.